The following is an entry in ClinVar:

ClinVar aggregate classification (germline): Uncertain significance (1 of 4 stars; one submission).

Conditions:
DOCK2 deficiency. Also called: Immunodeficiency 40. Identifiers: Orphanet 447737, MedGen C4225328, MONDO:0014637, OMIM 616433.

Allele frequency attached by ClinVar (database versions not stated): gnomAD exomes below 0.00001; TOPMed below 0.00001; gnomAD 0.00001.
gnomAD v4.1: 26 of 1,613,994 alleles (0.0016%); highest among the groups gnomAD compares: Admixed American, 0.0033%; no homozygotes.

Submission:

Labcorp Genetics (formerly Invitae), Labcorp
Classification: Uncertain significance for DOCK2 deficiency. Last evaluated: 2018-11-08. Review status: criteria provided, single submitter. Criteria: Invitae Variant Classification Sherloc (09022015). Collection method: clinical testing. Allele origin: germline.
Comment: This variant has not been reported in the literature in individuals with DOCK2-related disease. In summary, the available evidence is currently insufficient to determine the role of this variant in disease. Therefore, it has been classified as a Variant of Uncertain Significance. Algorithms developed to predict the effect of missense changes on protein structure and function are either unavailable or do not agree on the potential impact of this missense change (SIFT: "Tolerated"; PolyPhen-2: "Probably Damaging"; Align-GVGD: "Class C0"). This variant is not present in population databases (ExAC no frequency). This sequence change replaces arginine with tryptophan at codon 1696 of the DOCK2 protein (p.Arg1696Trp). The arginine residue is moderately conserved and there is a moderate physicochemical difference between arginine and tryptophan.

NM_004946.3(DOCK2):c.5086C>T (p.Arg1696Trp)

Gene: DOCK2 (dedicator of cytokinesis 2; plus strand). Cytogenetic location: 5q35.1.
Variant type: single nucleotide variant.
Coding change: c.5086C>T on transcript NM_004946.3 (MANE Select); coding-DNA position 5086, C replaced by T.
Protein change: p.Arg1696Trp; replaces arginine 1696 with tryptophan.
Molecular consequence: missense variant. On other transcripts: non-coding transcript variant (1).
Genome position (GRCh38, 1-based): chr5:170,079,066, C>T. VCF-style: chr5-170079066-C-T. GRCh37 (hg19) VCF-style: chr5-169506070-C-T.
Other names: c.5086C>T, p.Arg1696Trp (LRG_1227t1); short protein forms R1696W.
Identifiers: ClinVar variation 653097 (VCV000653097.8), dbSNP rs980056604, ClinGen allele CA132027642.